The following is an entry in ClinVar:

ClinVar aggregate classification (germline): Likely benign. Review status: criteria provided, multiple submitters, no conflicts (2 of 4 stars). 2 submissions from 2 submitters: Likely benign (2). Last evaluated 2024-10-28.

Conditions:
Glycogen storage disease, type II (IOPD). Also called: Glucosidase acid-1,4-alpha deficiency; Pompe Disease; POMPE DISEASE, INFANTILE-ONSET; GLYCOGEN STORAGE DISEASE II, INFANTILE-ONSET; ACID ALPHA-GLUCOSIDASE DEFICIENCY, INFANTILE-ONSET; GAA DEFICIENCY, INFANTILE-ONSET. Identifiers: Orphanet 365, MedGen C0017921, MONDO:0009290, OMIM 232300.

Allele frequency attached by ClinVar (database versions not stated): gnomAD exomes below 0.00001; TOPMed below 0.00001.
gnomAD v4.1: 1 of 1,613,562 alleles (0.000062%); highest among the groups gnomAD compares: South Asian, 0.0011%; no homozygotes.

Submissions (2):

Labcorp Genetics (formerly Invitae), Labcorp
Classification: Likely benign for Glycogen storage disease, type II. Last evaluated: 2024-10-28. Review status: criteria provided, single submitter. Criteria: Invitae Variant Classification Sherloc (09022015). Collection method: clinical testing. Allele origin: germline.

GeneDx
Classification: Likely benign. Last evaluated: 2018-04-09. Review status: criteria provided, single submitter. Criteria: GeneDx Variant Classification (06012015). Collection method: clinical testing. Allele origin: germline. Affected: yes.
Comment: This variant is considered likely benign or benign based on one or more of the following criteria: it is a conservative change, it occurs at a poorly conserved position in the protein, it is predicted to be benign by multiple in silico algorithms, and/or has population frequency not consistent with disease.

NM_000152.5(GAA):c.1440A>G (p.Val480=)

Gene: GAA (alpha glucosidase; plus strand). Cytogenetic location: 17q25.3.
Variant type: single nucleotide variant.
Coding change: c.1440A>G on transcript NM_000152.5 (MANE Select); coding-DNA position 1440, A replaced by G.
Protein change: p.Val480=; no amino-acid change (valine 480 retained).
Molecular consequence: synonymous variant.
Genome position (GRCh38, 1-based): chr17:80,110,729, A>G. VCF-style: chr17-80110729-A-G. GRCh37 (hg19) VCF-style: chr17-78084528-A-G.
Other names: c.1440A>G (LRG_673t1); c.1440A>G, p.Val480= (NM_001079803.3, NM_001079804.3).
Identifiers: ClinVar variation 456380 (VCV000456380.13), dbSNP rs1555600737, ClinGen allele CA502178521.